The following is an entry in ClinVar:

NM_001371623.1(TCOF1):c.1419G>C (p.Glu473Asp)

Gene: TCOF1 (treacle ribosome biogenesis factor 1; plus strand). Cytogenetic location: 5q32.
Variant type: single nucleotide variant.
Coding change: c.1419G>C on transcript NM_001371623.1 (MANE Select); coding-DNA position 1419, G replaced by C.
Protein change: p.Glu473Asp; replaces glutamic acid 473 with aspartic acid.
Molecular consequence: missense variant.
Genome position (GRCh38, 1-based): chr5:150,375,094, G>C. VCF-style: chr5-150375094-G-C. GRCh37 (hg19) VCF-style: chr5-149754657-G-C.
Other names: c.1188G>C, p.Glu396Asp (NM_000356.4, NM_001135245.2); c.1419G>C, p.Glu473Asp (NM_001008657.3, NM_001135243.2, NM_001135244.2 and 1 more transcripts); short protein forms E473D, E396D.
Identifiers: ClinVar variation 1372446 (VCV001372446.6), dbSNP rs2150707423, ClinGen allele CA361746126.

ClinVar aggregate classification (germline): Uncertain significance (1 of 4 stars; one submission).

Conditions:
Treacher Collins syndrome 1 (TCS1). Also called: TCOF1-Related Treacher Collins Syndrome. Identifiers: Orphanet 861, MedGen CN315775, MONDO:0007944, OMIM 154500.

gnomAD v4.1: 2 of 1,614,170 alleles (0.00012%); highest among the groups gnomAD compares: South Asian, 0.0011%; no homozygotes.

Submission:

Labcorp Genetics (formerly Invitae), Labcorp
Classification: Uncertain significance for Treacher Collins syndrome 1. Last evaluated: 2022-04-11. Review status: criteria provided, single submitter. Criteria: Invitae Variant Classification Sherloc (09022015). Collection method: clinical testing. Allele origin: germline.
Comment: This sequence change replaces glutamic acid, which is acidic and polar, with aspartic acid, which is acidic and polar, at codon 473 of the TCOF1 protein (p.Glu473Asp). In summary, the available evidence is currently insufficient to determine the role of this variant in disease. Therefore, it has been classified as a Variant of Uncertain Significance. Algorithms developed to predict the effect of missense changes on protein structure and function are either unavailable or do not agree on the potential impact of this missense change (SIFT: "Tolerated"; PolyPhen-2: "Probably Damaging"; Align-GVGD: "Class C0"). This variant has not been reported in the literature in individuals affected with TCOF1-related conditions. This variant is not present in population databases (gnomAD no frequency).